The following is an entry in ClinVar:

NM_002381.5(MATN3):c.1018A>G (p.Asn340Asp)

Genes: MATN3 (matrilin 3; minus strand), WDR35-DT (WDR35 divergent transcript; plus strand). Cytogenetic location: 2p24.1.
Variant type: single nucleotide variant.
Coding change: c.1018A>G on transcript NM_002381.5 (MANE Select); coding-DNA position 1018, A replaced by G.
Protein change: p.Asn340Asp; replaces asparagine 340 with aspartic acid.
Molecular consequence: missense variant.
Genome position (GRCh38, 1-based): chr2:20,001,979, T>C on the plus strand (A>G on the coding strand, the complement: MATN3 is on the minus strand). VCF-style: chr2-20001979-T-C. GRCh37 (hg19) VCF-style: chr2-20201740-T-C.
Other names: short protein forms N340D.
Identifiers: ClinVar variation 2701877 (VCV002701877.3), dbSNP rs2527694846, ClinGen allele CA345949814.
Genomic context (GRCh38, chr2:20,001,979, plus strand): 5'-CTAAGTAGCAATAGTAAAGACTCCTCCCTCACTTACCTGAACAAGTTTTCCTGTCTTCAT[T>C]CAAGGTATAACCTTCATAGCACTCACAATGATAAGAGCCACTTCTGTCATTCACACAGAT-3'
Protein context (NP_002372.1, residues 330-350): HCECYEGYTL[Asn340Asp]EDRKTCSAQD

ClinVar aggregate classification (germline): Uncertain significance (1 of 4 stars; one submission).

Submission:

Labcorp Genetics (formerly Invitae), Labcorp
Classification: Uncertain significance. Last evaluated: 2023-12-09. Review status: criteria provided, single submitter. Criteria: Invitae Variant Classification Sherloc (09022015). Collection method: clinical testing. Allele origin: germline.
Comment: This sequence change replaces asparagine, which is neutral and polar, with aspartic acid, which is acidic and polar, at codon 340 of the MATN3 protein (p.Asn340Asp). This variant is not present in population databases (gnomAD no frequency). This variant has not been reported in the literature in individuals affected with MATN3-related conditions. Advanced modeling of protein sequence and biophysical properties (such as structural, functional, and spatial information, amino acid conservation, physicochemical variation, residue mobility, and thermodynamic stability) performed at Invitae indicates that this missense variant is not expected to disrupt MATN3 protein function with a negative predictive value of 80%. In summary, the available evidence is currently insufficient to determine the role of this variant in disease. Therefore, it has been classified as a Variant of Uncertain Significance.